The following is an entry in ClinVar:

ClinVar aggregate classification (germline): Likely benign (1 of 4 stars; one submission).

Conditions:
RPGRIP1L-related disorder. Also called: RPGRIP1L-related disorders; RPGRIP1L-related condition. Identifiers: MedGen CN239416.

Submission:

PreventionGenetics, part of Exact Sciences
Classification: Likely benign for RPGRIP1L-related condition. Last evaluated: 2024-12-31. Review status: criteria provided, single submitter. Criteria: ACMG Guidelines, 2015. Collection method: clinical testing. Allele origin: germline.
Comment: This variant is classified as likely benign based on ACMG/AMP sequence variant interpretation guidelines (Richards et al. 2015 PMID: 25741868, with internal and published modifications).

NM_015272.5(RPGRIP1L):c.1779A>G (p.Glu593=)

Gene: RPGRIP1L (RPGRIP1 like; minus strand). Cytogenetic location: 16q12.2.
Variant type: single nucleotide variant.
Coding change: c.1779A>G on transcript NM_015272.5 (MANE Select); coding-DNA position 1779, A replaced by G.
Protein change: p.Glu593=; no amino-acid change (glutamic acid 593 retained).
Molecular consequence: synonymous variant.
Genome position (GRCh38, 1-based): chr16:53,652,908, T>C on the plus strand (A>G on the coding strand, the complement: RPGRIP1L is on the minus strand). VCF-style: chr16-53652908-T-C. GRCh37 (hg19) VCF-style: chr16-53686820-T-C.
Other names: c.1779A>G, p.Glu593= (NM_001127897.4, NM_001308334.3, NM_001330538.2).
Identifiers: ClinVar variation 5001371 (VCV005001371.1).